The following is an entry in ClinVar:

ClinVar aggregate classification (germline): Uncertain significance (1 of 4 stars; one submission).

Conditions:
Charcot-Marie-Tooth disease axonal type 2C (HMSN2C). Also called: Charcot-Marie-Tooth Disease Type 2, TRPV4-Related (CMT2C); CHARCOT-MARIE-TOOTH DISEASE, AXONAL, AUTOSOMAL DOMINANT, TYPE 2C; Charcot-Marie-Tooth Neuropathy Type 2C. Identifiers: Orphanet 99937, MedGen C1853710, MONDO:0011633, OMIM 606071.

Submission:

Labcorp Genetics (formerly Invitae), Labcorp
Classification: Uncertain significance for Charcot-Marie-Tooth disease axonal type 2C. Last evaluated: 2022-03-18. Review status: criteria provided, single submitter. Criteria: Invitae Variant Classification Sherloc (09022015). Collection method: clinical testing. Allele origin: germline.
Comment: In summary, the available evidence is currently insufficient to determine the role of this variant in disease. Therefore, it has been classified as a Variant of Uncertain Significance. This variant has not been reported in the literature in individuals affected with TRPV4-related conditions. This variant is a gross deletion of the genomic region encompassing exon(s) 2 of the TRPV4 gene, which includes the initiator codon. This deletion extends beyond the assayed region for this gene and therefore may encompass additional genes. It is expected to result in an absent or disrupted protein product. However, the current clinical and genetic evidence is not sufficient to establish whether loss-of-function variants in TRPV4 cause disease.

NC_000012.11:g.(?_110252196)_(110252601_?)del

Gene: TRPV4 (transient receptor potential cation channel subfamily V member 4; minus strand). Cytogenetic location: 12q24.11.
Variant type: Deletion.
Identifiers: ClinVar variation 1450702 (VCV001450702.5).